The following is an entry in ClinVar:

ClinVar aggregate classification (germline): Uncertain significance (1 of 4 stars; one submission).

Submission:

Labcorp Genetics (formerly Invitae), Labcorp
Classification: Uncertain significance. Last evaluated: 2025-12-23. Review status: criteria provided, single submitter. Criteria: Invitae Variant Classification Sherloc (09022015). Collection method: clinical testing. Allele origin: germline.
Comment: This sequence change replaces tyrosine, which is neutral and polar, with phenylalanine, which is neutral and non-polar, at codon 205 of the PRPF31 protein (p.Tyr205Phe). This variant is present in population databases (no rsID available, gnomAD 0.006%). This variant has not been reported in the literature in individuals affected with PRPF31-related conditions. ClinVar contains an entry for this variant (Variation ID: 1991091). An algorithm developed to predict the effect of missense changes on protein structure and function (PolyPhen-2) suggests that this variant is likely to be tolerated. In summary, the available evidence is currently insufficient to determine the role of this variant in disease. Therefore, it has been classified as a Variant of Uncertain Significance.

NM_015629.4(PRPF31):c.614_615delinsTT (p.Tyr205Phe)

Gene: PRPF31 (pre-mRNA processing factor 31; plus strand). Cytogenetic location: 19q13.42.
Variant type: Indel.
Coding change: c.614_615delinsTT on transcript NM_015629.4 (MANE Select); coding-DNA positions 614 to 615, AC replaced by TT.
Protein change: p.Tyr205Phe; replaces tyrosine 205 with phenylalanine.
Molecular consequence: missense variant.
Genome position (GRCh38, 1-based): chr19:54,123,835-54,123,836, AC replaced by TT. VCF-style: chr19-54123835-AC-TT. GRCh37 (hg19) VCF-style: chr19-54627214-AC-TT.
Other names: short protein forms Y205F.
Identifiers: ClinVar variation 1991091 (VCV001991091.4), dbSNP rs2516144384, ClinGen allele CA2580097779.
Genomic context (GRCh38, chr19:54,123,835, plus strand): 5'-AGCGGCTGGAGGAGGCCTGCGACATGGCGCTGGAGCTGAACGCCTCCAAGCACCGCATCT[AC>TT]GAGTATGTGGAGTCCCGGATGTCCTTCATCGCACCCAACCTGTCCATCATTATCGGGGCA-3'
Protein context (NP_056444.3, residues 195-215): LELNASKHRI[Tyr205Phe]EYVESRMSFI